The following is an entry in ClinVar:

ClinVar aggregate classification (germline): Uncertain significance (1 of 4 stars; one submission).

Conditions:
MC4R-related disorder. Also called: MC4R-related condition.

gnomAD v4.1: 3 of 1,614,108 alleles (0.00019%); highest among the groups gnomAD compares: African/African-American, 0.004%; no homozygotes.

Submission:

PreventionGenetics, part of Exact Sciences
Classification: Uncertain significance for MC4R-related condition. Last evaluated: 2026-08-20. Review status: criteria provided, single submitter. Criteria: ACMG Guidelines, 2015. Collection method: clinical testing. Allele origin: germline.
Comment: The MC4R c.778C>G variant is predicted to result in the amino acid substitution p.Pro260Ala. This variant has been reported in the heterozygous state in an electronic MEdical Records and GEnomics (eMERGE) network participant: however, no clinical details were provided (Namjou et al. 2021. PubMed ID: 32952152). A different substitution that affects the same amino acid (p.Pro260Gln) has been reported in the heterozygous and homozygous state in patients with obesity (Stutzmann et al. 2008. PubMed ID: 18559663; Kleinendorst et al. 2018. PubMed ID: 29970488). In vitro functional studies performed on the p.Pro260Ala variant suggest it is important for cell surface expression of MC4R (Huang and Tao. 2012. PubMed ID: 23014839). This variant is reported in 0.0080% of alleles in individuals of African descent in gnomAD. At this time, the clinical significance of this variant is uncertain due to the absence of conclusive functional and genetic evidence.

NM_005912.3(MC4R):c.778C>G (p.Pro260Ala)

Gene: MC4R (melanocortin 4 receptor; minus strand). Cytogenetic location: 18q21.32.
Variant type: single nucleotide variant.
Coding change: c.778C>G on transcript NM_005912.3 (MANE Select); coding-DNA position 778, C replaced by G.
Protein change: p.Pro260Ala; replaces proline 260 with alanine.
Molecular consequence: missense variant.
Genome position (GRCh38, 1-based): chr18:60,371,572, G>C on the plus strand (C>G on the coding strand, the complement: MC4R is on the minus strand). VCF-style: chr18-60371572-G-C. GRCh37 (hg19) VCF-style: chr18-58038805-G-C.
Other names: short protein forms P260A.
Identifiers: ClinVar variation 4978722 (VCV004978722.1).